The following is an entry in ClinVar:

NM_001001671.4(MAP3K15):c.1893G>A (p.Thr631=)

Gene: MAP3K15 (mitogen-activated protein kinase kinase kinase 15; minus strand). Cytogenetic location: Xp22.12.
Variant type: single nucleotide variant.
Coding change: c.1893G>A on transcript NM_001001671.4 (MANE Select); coding-DNA position 1893, G replaced by A.
Protein change: p.Thr631=; no amino-acid change (threonine 631 retained).
Molecular consequence: synonymous variant.
Genome position (GRCh38, 1-based): chrX:19,400,615, C>T on the plus strand (G>A on the coding strand, the complement: MAP3K15 is on the minus strand). VCF-style: chrX-19400615-C-T. GRCh37 (hg19) VCF-style: chrX-19418733-C-T.
Identifiers: ClinVar variation 3052568 (VCV003052568.2), dbSNP rs747115798, ClinGen allele CA10363933.
Genomic context (GRCh38, chrX:19,400,615, plus strand): 5'-TCTAGATCGTCCATGACTCACCTCCAAGGTGTCTCCATCGGTCTCTCCCTCCAGCTCCAC[C>T]GTACTGCCTGCTGTATTGGTTATCATCTCTTTGACCAAAGAGAAAAATCTAGAACAGCAA-3'
Protein context (NP_001001671.3, residues 621-641): KEMITNTAGS[Thr631=]VELEGETDGD

ClinVar aggregate classification (germline): Likely benign (0 of 4 stars; one submission).

Conditions:
MAP3K15-related disorder. Also called: MAP3K15-related condition.

Allele frequency attached by ClinVar (database versions not stated): gnomAD 0.00004; TOPMed 0.00019; 1000 Genomes Project 0.00026; 1000 Genomes Project 30x 0.00042.
gnomAD v4.1: 99 of 1,206,700 alleles (0.0082%); highest among the groups gnomAD compares: Admixed American, 0.19%; no homozygotes.

Submission:

PreventionGenetics, part of Exact Sciences
Classification: Likely benign for MAP3K15-related condition. Last evaluated: 2019-09-05. Review status: no assertion criteria provided. Collection method: clinical testing. Allele origin: germline.
Comment: This variant is classified as likely benign based on ACMG/AMP sequence variant interpretation guidelines (Richards et al. 2015 PMID: 25741868, with internal and published modifications).